The following is an entry in ClinVar:

ClinVar aggregate classification (germline): Uncertain significance (1 of 4 stars; one submission).

Submission:

GeneDx
Classification: Uncertain significance. Last evaluated: 2026-08-05. Review status: criteria provided, single submitter. Criteria: GeneDx Variant Classification Process June 2021. Collection method: clinical testing. Allele origin: germline.
Comment: Not observed at significant frequency in large population cohorts (gnomAD); In silico analysis supports that this missense variant has a deleterious effect on protein structure/function; Has not been previously published as pathogenic or benign to our knowledge

NM_005909.5(MAP1B):c.152A>C (p.His51Pro)

Gene: MAP1B (microtubule associated protein 1B; plus strand). Cytogenetic location: 5q13.2.
Variant type: single nucleotide variant.
Coding change: c.152A>C on transcript NM_005909.5 (MANE Select); coding-DNA position 152, A replaced by C.
Protein change: p.His51Pro; replaces histidine 51 with proline.
Molecular consequence: missense variant.
Genome position (GRCh38, 1-based): chr5:72,107,683, A>C. VCF-style: chr5-72107683-A-C. GRCh37 (hg19) VCF-style: chr5-71403510-A-C.
Other names: short protein forms H51P.
Identifiers: ClinVar variation 3253535 (VCV003253535.2), dbSNP rs758951016.
Genomic context (GRCh38, chr5:72,107,683, plus strand): 5'-GCTTCCTTGACAGCAAGTTCTACTTGCTGGTGGTCGTCGGCGAGATCGTGACCGAGGAGC[A>C]CCTGCGGCGTGCCATCGGCAACATCGAGCTCGGTAAGTGGCCCCGCGCCCCCAGAGACGC-3'
Protein context (NP_005900.2, residues 41-61): VVVGEIVTEE[His51Pro]LRRAIGNIEL